The following is an entry in ClinVar:

ClinVar aggregate classification (germline): Uncertain significance (1 of 4 stars; one submission).

Conditions:
Polyhydramnios, megalencephaly, and symptomatic epilepsy (PMSE). Also called: PMSE SYNDROME. Identifiers: Orphanet 500533, MedGen C1970203, MONDO:0012611, OMIM 611087.

Submission:

Labcorp Genetics (formerly Invitae), Labcorp
Classification: Uncertain significance for Polyhydramnios, megalencephaly, and symptomatic epilepsy. Last evaluated: 2022-03-27. Review status: criteria provided, single submitter. Criteria: Invitae Variant Classification Sherloc (09022015). Collection method: clinical testing. Allele origin: germline.
Comment: This variant has not been reported in the literature in individuals affected with STRADA-related conditions. In summary, the available evidence is currently insufficient to determine the role of this variant in disease. Therefore, it has been classified as a Variant of Uncertain Significance. Algorithms developed to predict the effect of missense changes on protein structure and function are either unavailable or do not agree on the potential impact of this missense change (SIFT: "Tolerated"; PolyPhen-2: "Possibly Damaging"; Align-GVGD: "Class C0"). This variant is not present in population databases (gnomAD no frequency). This sequence change replaces alanine, which is neutral and non-polar, with valine, which is neutral and non-polar, at codon 88 of the STRADA protein (p.Ala88Val).

NM_001003787.4(STRADA):c.263C>T (p.Ala88Val)

Gene: STRADA (STE20 related adaptor alpha; minus strand). Cytogenetic location: 17q23.3.
Variant type: single nucleotide variant.
Coding change: c.263C>T on transcript NM_001003787.4 (MANE Select); coding-DNA position 263, C replaced by T.
Protein change: p.Ala88Val; replaces alanine 88 with valine.
Molecular consequence: missense variant. On other transcripts: non-coding transcript variant (1).
Genome position (GRCh38, 1-based): chr17:63,713,491, G>A on the plus strand (C>T on the coding strand, the complement: STRADA is on the minus strand). VCF-style: chr17-63713491-G-A. GRCh37 (hg19) VCF-style: chr17-61790851-G-A.
Other names: c.176C>T, p.Ala59Val (NM_001165969.2, NM_001363787.1, NM_001411084.1); c.131C>T, p.Ala44Val (NM_001165970.2); c.239C>T, p.Ala80Val (NM_001363786.1); c.263C>T, p.Ala88Val (NM_001363788.1, NM_001411083.1, NM_001411085.1); c.152C>T, p.Ala51Val (NM_001363789.1, NM_153335.6, NM_001003786.3); c.89C>T, p.Ala30Val (NM_001363790.1, NM_001363791.1, NM_001003788.3); short protein forms A30V, A51V, A80V, A44V, A59V, A88V.
Identifiers: ClinVar variation 2114483 (VCV002114483.4), dbSNP rs2511127310, ClinGen allele CA400593811.
Genomic context (GRCh38, chr17:63,713,491, plus strand): 5'-GAACAAGCTTCTAGGTTAATCCTCCGTACAGTCACGTACTCTCCTGTTGGTTTGTACCTT[G>A]CTAGATTCACAGTCATCAGGTCCTCAAATCCTTTGCCTAAAAGAAAAAGGGAATGCCATA-3'
Protein context (NP_001003787.1, residues 78-98): GFEDLMTVNL[Ala88Val]RYKPTGEYVT